The following is an entry in ClinVar:

ClinVar aggregate classification (germline): Uncertain significance (1 of 4 stars; one submission).

Allele frequency attached by ClinVar (database versions not stated): gnomAD exomes below 0.00001.
gnomAD v4.1: 2 of 1,573,488 alleles (0.00013%); highest among the groups gnomAD compares: African/African-American, 0.0014%; no homozygotes.

Submission:

Labcorp Genetics (formerly Invitae), Labcorp
Classification: Uncertain significance. Last evaluated: 2022-08-09. Review status: criteria provided, single submitter. Criteria: Invitae Variant Classification Sherloc (09022015). Collection method: clinical testing. Allele origin: germline.
Comment: This sequence change replaces proline, which is neutral and non-polar, with serine, which is neutral and polar, at codon 130 of the HES7 protein (p.Pro130Ser). In summary, the available evidence is currently insufficient to determine the role of this variant in disease. Therefore, it has been classified as a Variant of Uncertain Significance. Algorithms developed to predict the effect of missense changes on protein structure and function are either unavailable or do not agree on the potential impact of this missense change (SIFT: "Tolerated"; PolyPhen-2: "Probably Damaging"; Align-GVGD: "Class C0"). This variant has not been reported in the literature in individuals affected with HES7-related conditions. This variant is not present in population databases (gnomAD no frequency).

NM_001165967.2(HES7):c.403C>T (p.Pro135Ser)

Gene: HES7 (hes family bHLH transcription factor 7; minus strand). Cytogenetic location: 17p13.1.
Variant type: single nucleotide variant.
Coding change: c.403C>T on transcript NM_001165967.2 (MANE Select); coding-DNA position 403, C replaced by T.
Protein change: p.Pro135Ser; replaces proline 135 with serine.
Molecular consequence: missense variant.
Genome position (GRCh38, 1-based): chr17:8,121,861, G>A on the plus strand (C>T on the coding strand, the complement: HES7 is on the minus strand). VCF-style: chr17-8121861-G-A. GRCh37 (hg19) VCF-style: chr17-8025179-G-A.
Other names: c.388C>T, p.Pro130Ser (NM_032580.4); short protein forms P135S, P130S.
Identifiers: ClinVar variation 1912244 (VCV001912244.5), dbSNP rs1029789787, ClinGen allele CA287537246.
Genomic context (GRCh38, chr17:8,121,861, plus strand): 5'-CGGGGTCCAGGGATGGGCGCGGCGCTGGAGGCCTCGGATCTACCGGCTTGGGCCGGGGCG[G>A]TTTGGGGCGCAGATAGCCGTGCAGCGCGGAGAAGAGCTGGGCGCGGGCGGCCGGGCTGGC-3'
Protein context (NP_001159439.1, residues 125-145): SALHGYLRPK[Pro135Ser]PRPKPVDPRP